The following is an entry in ClinVar:

NM_004820.5(CYP7B1):c.695T>C (p.Ile232Thr)

Gene: CYP7B1 (cytochrome P450 family 7 subfamily B member 1; minus strand). Cytogenetic location: 8q12.3.
Variant type: single nucleotide variant.
Coding change: c.695T>C on transcript NM_004820.5 (MANE Select); coding-DNA position 695, T replaced by C.
Protein change: p.Ile232Thr; replaces isoleucine 232 with threonine.
Molecular consequence: missense variant.
Genome position (GRCh38, 1-based): chr8:64,615,846, A>G on the plus strand (T>C on the coding strand, the complement: CYP7B1 is on the minus strand). VCF-style: chr8-64615846-A-G. GRCh37 (hg19) VCF-style: chr8-65528403-A-G.
Other names: c.695T>C, p.Ile232Thr (NM_001324112.2); c.695T>C (NM_004820.4, NM_004820.3); short protein forms I232T.
Identifiers: ClinVar variation 597674 (VCV000597674.11), dbSNP rs373829533, ClinGen allele CA4764166.

ClinVar aggregate classification (germline): Uncertain significance. Review status: criteria provided, multiple submitters, no conflicts (2 of 4 stars). 4 submissions from 4 submitters: Uncertain significance (4). Last evaluated 2025-11-19.

Conditions:
CYP7B1-related disorder. Also called: CYP7B1-related condition.
Inborn genetic diseases. Identifiers: MedGen C0950123, MeSH D030342.
Spastic paraplegia. Identifiers: MedGen C0037772, HP:0001258.

Allele frequency attached by ClinVar (database versions not stated): gnomAD exomes 0.00002 and 0.00003; ExAC 0.00004; gnomAD 0.00004; TOPMed 0.00004; ESP Exome Variant Server 0.00008.
gnomAD v4.1: 29 of 1,613,618 alleles (0.0018%); highest among the groups gnomAD compares: African/African-American, 0.0093%; no homozygotes.

Submissions (4):

Ambry Genetics
Classification: Uncertain significance for Inborn genetic diseases. Last evaluated: 2025-11-19. Review status: criteria provided, single submitter. Criteria: Ambry Variant Classification Scheme 2023. Collection method: clinical testing. Allele origin: germline.

PreventionGenetics, part of Exact Sciences
Classification: Uncertain significance for CYP7B1-related condition. Last evaluated: 2025-08-12. Review status: criteria provided, single submitter. Criteria: ACMG Guidelines, 2015. Collection method: clinical testing. Allele origin: germline.
Comment: The CYP7B1 c.695T>C variant is predicted to result in the amino acid substitution p.Ile232Thr. To our knowledge, this variant has not been reported in the literature. This variant is reported in 0.028% of alleles in individuals of African descent in gnomAD. At this time, the clinical significance of this variant is uncertain due to the absence of conclusive functional and genetic evidence.

Labcorp Genetics (formerly Invitae), Labcorp
Classification: Uncertain significance for Spastic paraplegia. Last evaluated: 2022-08-09. Review status: criteria provided, single submitter. Criteria: Invitae Variant Classification Sherloc (09022015). Collection method: clinical testing. Allele origin: germline.
Comment: This sequence change replaces isoleucine, which is neutral and non-polar, with threonine, which is neutral and polar, at codon 232 of the CYP7B1 protein (p.Ile232Thr). This variant is present in population databases (rs373829533, gnomAD 0.03%). This variant has not been reported in the literature in individuals affected with CYP7B1-related conditions. ClinVar contains an entry for this variant (Variation ID: 597674). Algorithms developed to predict the effect of missense changes on protein structure and function output the following: SIFT: "Deleterious"; PolyPhen-2: "Benign"; Align-GVGD: "Class C65". The threonine amino acid residue is found in multiple mammalian species, which suggests that this missense change does not adversely affect protein function. In summary, the available evidence is currently insufficient to determine the role of this variant in disease. Therefore, it has been classified as a Variant of Uncertain Significance.

Eurofins Ntd Llc (ga)
Classification: Uncertain significance. Last evaluated: 2018-06-19. Review status: criteria provided, single submitter. Criteria: EGL ClinVar v180209 classification definitions. Collection method: clinical testing. Allele origin: germline. Observed: 1 variant allele, 1 heterozygote.